The following is an entry in ClinVar:

NM_006767.4(LZTR1):c.1687_1704dup (p.Gln568_Tyr569insGluGlnLeuCysArgGln)

Gene: LZTR1 (leucine zipper like post translational regulator 1; plus strand). Cytogenetic location: 22q11.21.
Variant type: Duplication.
Coding change: c.1687_1704dup on transcript NM_006767.4 (MANE Select); coding-DNA positions 1687 to 1704, 18 bases duplicated (GAGCAGCTGTGCCGCCAG).
Protein change: p.Gln568_Tyr569insGluGlnLeuCysArgGln.
Genome position (GRCh38, 1-based): chr22:20,994,629-20,994,646, GAGCAGCTGTGCCGCCAG duplicated; duplicating any 18 consecutive bases within chr22:20,994,628-20,994,646 gives the same sequence; the c. name uses the placement nearest the transcript's 3' end. VCF-style (leftmost placement, unchanged base first): chr22-20994627-T-TGGAGCAGCTGTGCCGCCA. GRCh37 (hg19) VCF-style: chr22-21348916-T-TGGAGCAGCTGTGCCGCCA.
Identifiers: ClinVar variation 5023746 (VCV005023746.1).

ClinVar aggregate classification (germline): Uncertain significance (1 of 4 stars; one submission).

Conditions:
Cardiovascular phenotype. Identifiers: MedGen CN230736.
Hereditary cancer-predisposing syndrome. Also called: Neoplastic Syndromes, Hereditary; Tumor predisposition; Hereditary neoplastic syndrome; Hereditary Cancer Syndrome. Identifiers: Orphanet 140162, MedGen C0027672, MeSH D009386, MONDO:0015356.

Submission:

Ambry Genetics
Classification: Uncertain significance for Cardiovascular phenotype; Hereditary cancer-predisposing syndrome. Last evaluated: 2026-06-21. Review status: criteria provided, single submitter. Criteria: Ambry Variant Classification Scheme 2023. Collection method: clinical testing. Allele origin: germline.
Comment: The c.1687_1704dup18 variant (also known as p.E563_Q568dup), located in coding exon 15 of the LZTR1 gene, results from an in-frame duplication of 18 nucleotides at nucleotide positions 1687 to 1704. This results in the duplication of 6 extra residues (EQLCRQ) between codons 563 and 568. This amino acid region is well conserved in available vertebrate species. In addition, this variant is predicted to be deleterious by in silico analysis (Choi Y et al. PLoS ONE. 2012; 7(10):e46688). Based on the available evidence, the clinical significance of this variant remains unclear.